The following is an entry in ClinVar:

NM_006904.7(PRKDC):c.10631A>T (p.Asp3544Val)

Gene: PRKDC (protein kinase, DNA-activated, catalytic subunit; minus strand). Cytogenetic location: 8q11.21.
Variant type: single nucleotide variant.
Coding change: c.10631A>T on transcript NM_006904.7 (MANE Select); coding-DNA position 10631, A replaced by T.
Protein change: p.Asp3544Val; replaces aspartic acid 3544 with valine.
Molecular consequence: missense variant.
Genome position (GRCh38, 1-based): chr8:47,794,329, T>A on the plus strand (A>T on the coding strand, the complement: PRKDC is on the minus strand). VCF-style: chr8-47794329-T-A. GRCh37 (hg19) VCF-style: chr8-48706890-T-A.
Other names: c.10631A>T, p.Asp3544Val (NM_001081640.2); short protein forms D3544V.
Identifiers: ClinVar variation 2180031 (VCV002180031.1), dbSNP rs2086940097, ClinGen allele CA371133643.

ClinVar aggregate classification (germline): Uncertain significance (1 of 4 stars; one submission).

Conditions:
Severe combined immunodeficiency due to DNA-PKcs deficiency. Also called: IMMUNODEFICIENCY 26 WITH NEUROLOGIC ABNORMALITIES; Immunodeficiency 26 with or without neurologic abnormalities. Identifiers: Orphanet 317425, MedGen C4014833, MONDO:0014423, OMIM 615966.

Allele frequency attached by ClinVar (database versions not stated): gnomAD exomes below 0.00001; TOPMed below 0.00001; gnomAD 0.00001.
gnomAD v4.1: 6 of 1,613,410 alleles (0.00037%); highest among the groups gnomAD compares: Non-Finnish European, 0.00042%; no homozygotes.

Submission:

Labcorp Genetics (formerly Invitae), Labcorp
Classification: Uncertain significance for Severe combined immunodeficiency due to DNA-PKcs deficiency. Last evaluated: 2022-08-13. Review status: criteria provided, single submitter. Criteria: Invitae Variant Classification Sherloc (09022015). Collection method: clinical testing. Allele origin: germline.
Comment: This sequence change replaces aspartic acid, which is acidic and polar, with valine, which is neutral and non-polar, at codon 3544 of the PRKDC protein (p.Asp3544Val). This variant is not present in population databases (gnomAD no frequency). This variant has not been reported in the literature in individuals affected with PRKDC-related conditions. Experimental studies and prediction algorithms are not available or were not evaluated, and the functional significance of this variant is currently unknown. In summary, the available evidence is currently insufficient to determine the role of this variant in disease. Therefore, it has been classified as a Variant of Uncertain Significance.